The following is an entry in ClinVar:

ClinVar aggregate classification (germline): Conflicting classifications of pathogenicity. Review status: criteria provided, conflicting classifications (1 of 4 stars). 11 submissions from 11 submitters: Pathogenic (2); Likely pathogenic (2); Uncertain significance (5). 2 of the submissions do not count toward it. Last evaluated 2026-07-02.

Conditions:
PCDH15-related disorder. Also called: PCDH15-related condition; PCDH15-related disorders.
Usher syndrome type 1D (USH1D). Also called: USHER SYNDROME, TYPE ID. Identifiers: Orphanet 231169, Orphanet 886, MedGen C1832845, MONDO:0010984, OMIM 601067.
Usher syndrome type 1F (USH1F). Also called: USHER SYNDROME, TYPE IF. Identifiers: Orphanet 231169, Orphanet 886, MedGen C1865885, MONDO:0011186, OMIM 602083.
Autosomal recessive nonsyndromic hearing loss 23. Identifiers: Orphanet 90636, MedGen C1836027, MONDO:0012293, OMIM 609533.

Submissions (11):

Myriad Genetics, Inc.
Classification: Uncertain significance for Usher syndrome type 1F. Last evaluated: 2026-07-02. Review status: criteria provided, single submitter. Criteria: Myriad Autosomal Dominant, Autosomal Recessive and X-Linked Classification Criteria (2023). Collection method: clinical testing. Allele origin: unknown.
Comment: NM_033056.3(PCDH15):c.4681_4684dupAAGT(S1562*) is a nonsense variant classified as a variant of uncertain significance in the context of PCDH15-related disorders. S1562* has not been observed in cases with relevant disease. Relevant functional assessments of this variant are not available in the literature. S1562* has been observed in referenced population frequency databases. In summary, there is insufficient evidence to classify NM_033056.3(PCDH15):c.4681_4684dupAAGT(S1562*) as pathogenic or benign. Please note: this variant was assessed in the context of healthy population screening.

Labcorp Genetics (formerly Invitae), Labcorp
Classification: Pathogenic. Last evaluated: 2026-01-24. Review status: criteria provided, single submitter. Criteria: Invitae Variant Classification Sherloc (09022015). Collection method: clinical testing. Allele origin: germline.
Comment: This sequence change creates a premature translational stop signal (p.Ser1562*) in the PCDH15 gene. While this is not anticipated to result in nonsense mediated decay, it is expected to disrupt the last 394 amino acid(s) of the PCDH15 protein. This variant is present in population databases (rs730880357, gnomAD 0.09%). This variant has not been reported in the literature in individuals affected with PCDH15-related conditions. ClinVar contains an entry for this variant (Variation ID: 179400). This variant disrupts a region of the PCDH15 protein in which other variant(s) (p.Gln1576*) have been determined to be pathogenic (PMID: 28281779). This suggests that this is a clinically significant region of the protein, and that variants that disrupt it are likely to be disease-causing. For these reasons, this variant has been classified as Pathogenic.

First Genomix Gene Laboratory, Genetic Diagnostics Department
Classification: Likely pathogenic for Autosomal recessive nonsyndromic hearing loss 23; Usher syndrome type 1F. Last evaluated: 2025-11-13. Review status: criteria provided, single submitter. Criteria: ACMG Guidelines, 2015. Collection method: clinical testing. Allele origin: germline. Inheritance: Autosomal recessive inheritance. Affected: no. Observed: 1 variant allele.

Women's Health and Genetics/Laboratory Corporation of America, LabCorp
Classification: Pathogenic for Usher syndrome type 1F. Last evaluated: 2025-05-20. Review status: criteria provided, single submitter. Criteria: LabCorp Variant Classification Summary - May 2015. Collection method: clinical testing. Allele origin: germline.
Comment: Variant summary: PCDH15 c.4681_4684dupAAGT (p.Ser1562X) results in a premature termination codon, predicted to cause a truncation of the encoded protein or absence of the protein due to nonsense mediated decay, which are commonly known mechanisms for disease. The variant allele was found at a frequency of 7.6e-05 in 251038 control chromosomes. This frequency is not significantly higher than estimated for a pathogenic variant in PCDH15 causing Usher Syndrome Type 1F (7.6e-05 vs 0.0032), allowing no conclusion about variant significance. To our knowledge, no occurrence of c.4681_4684dupAAGT in individuals affected with Usher Syndrome Type 1F and no experimental evidence demonstrating its impact on protein function have been reported. A downstream variant c.4726C>T p.Gln1576* has been reported to be Pathogenic for another PCDH15-related condition (nonsyndromic deafness, see PMID: 28281779) at Labcorp, suggesting loss of this region of the protein is deleterious. ClinVar contains an entry for this variant (Variation ID: 179400). Based on the evidence outlined above, the variant was classified as pathogenic.

Blueprint Genetics
Classification: Uncertain significance. Last evaluated: 2024-05-08. Review status: criteria provided, single submitter. Criteria: ACMG Guidelines, 2015. Collection method: clinical testing. Allele origin: germline.

Fulgent Genetics
Classification: Likely pathogenic for Usher syndrome type 1D; Usher syndrome type 1F; Autosomal recessive nonsyndromic hearing loss 23. Last evaluated: 2024-04-30. Review status: criteria provided, single submitter. Criteria: ACMG Guidelines, 2015. Collection method: clinical testing. Allele origin: germline.

GeneDx
Classification: Uncertain significance. Last evaluated: 2022-08-12. Review status: criteria provided, single submitter. Criteria: GeneDx Variant Classification Process June 2021. Collection method: clinical testing. Allele origin: germline. Affected: yes.
Comment: Nonsense variant in the C-terminus predicted to result in protein truncation, as the last 394 amino acids are lost, and other loss-of-function variants have been reported downstream in the Human Gene Mutation Database (HGMD); Has not been previously published as pathogenic or benign with PCDH15-related condition to our knowledge; This variant is associated with the following publications: (PMID: 25307757, 15537665)

Baylor Genetics
Classification: Uncertain significance for Autosomal recessive nonsyndromic hearing loss 23. Last evaluated: 2021-12-16. Review status: criteria provided, single submitter. Criteria: ACMG Guidelines, 2015. Collection method: clinical testing. Allele origin: unknown.

Laboratory for Molecular Medicine, Mass General Brigham Personalized Medicine
Classification: Uncertain significance. Last evaluated: 2013-11-19. Review status: criteria provided, single submitter. Criteria: LMM Criteria. Collection method: clinical testing. Allele origin: germline. Observed: 1 variant allele.
Comment: Variant classified as Uncertain Significance - Favor Pathogenic. The 4681_4684du pAAGT (Ser1562X) variant in PCDH15 has not been previously reported in individua ls with hearing loss, but has been identified in 0.02% (2/4262) of African Ameri can chromosomes by the NHLBI Exome Sequencing Project (. edu/EVS/). This variant leads to a premature termination codon at position 1562; however, the termination codon occurs within the last coding exon of the gene. Therefore, nonsense mediated decay is not expected to occur and the impact to pr otein function is unknown. In summary, the clinical significance of this variant cannot be determined with certainty; however, based upon the predicted loss of 394 amino acids in the last exon of PCDH15, we would lean towards a more likely pathogenic role.

PreventionGenetics, part of Exact Sciences
Classification: Uncertain significance for PCDH15-related condition. Last evaluated: 2024-08-29. Review status: no assertion criteria provided. Collection method: clinical testing. Allele origin: germline. Not counted in ClinVar's aggregate classification.
Comment: The PCDH15 c.4681_4684dupAAGT variant is predicted to result in premature protein termination (p.Ser1562*). To our knowledge, this variant has not been reported in the literature. This variant is reported in 0.089% of alleles in individuals of African descent in gnomAD. This variant occurs in the last exon of the PCDH15 alternatively spliced transcript known as CD1 (NM_033056), but this exon is not required for proper inner ear hair cell function and maintenance of hearing and is not included in the biologically relevant transcript for hearing loss known as CD2 (NM_001142769; Webb et al. 2011. PubMed ID: 21427143; Pepermans et al. 2014. PubMed ID: 24940003). Furthermore, loss of function variants in this exon of CD1 have been shown to occur at population frequencies inconsistent with pathogenicity (Perreault-Micale et al. 2014. PubMed ID: 25307757). This variant is interpreted as suspected benign.

Natera, Inc.
Classification: Uncertain significance for Usher syndrome type 1F. Last evaluated: 2020-09-16. Review status: no assertion criteria provided. Collection method: clinical testing. Allele origin: germline. Not counted in ClinVar's aggregate classification.

Literature cited by the submitters: PubMed 28281779 (cited by Labcorp Genetics (formerly Invitae), Labcorp); PubMed 25307757 (cited by Women's Health and Genetics/Laboratory Corporation of America, LabCorp); PubMed 36147510 (cited by Women's Health and Genetics/Laboratory Corporation of America, LabCorp).

NM_033056.4(PCDH15):c.4681_4684dup (p.Ser1562Ter)

Gene: PCDH15 (protocadherin related 15; minus strand). Cytogenetic location: 10q21.1.
Variant type: Duplication.
Coding change: c.4681_4684dup on transcript NM_033056.4 (MANE Plus Clinical); coding-DNA positions 4681 to 4684, 4 bases duplicated (AAGT; older notation c.4681_4684dupAAGT).
Protein change: p.Ser1562Ter; replaces serine 1562 with a stop codon.
Molecular consequence: nonsense. On other transcripts: intron variant (8).
Genome position (GRCh38, 1-based): chr10:53,823,042-53,823,045, ACTT duplicated on the plus strand (AAGT on the coding strand, the reverse complement: PCDH15 is on the minus strand); duplicating any 4 consecutive bases within chr10:53,823,042-53,823,048 gives the same sequence; the c. name uses the placement nearest the transcript's 3' end. VCF-style (leftmost placement, unchanged base first): chr10-53823041-G-GACTT. GRCh37 (hg19) VCF-style: chr10-55582801-G-GACTT.
Other names: p.Ser1562X; c.4681_4684dupAAGT (NM_033056.4, NM_033056.3); c.4702_4705dup, p.Ser1569Ter (NM_001142763.2); c.4687_4690dup, p.Ser1564Ter (NM_001142764.2); c.4474_4477dup, p.Ser1493Ter (NM_001142765.2); c.4672_4675dup, p.Ser1559Ter (NM_001142766.2); c.4561_4564dup, p.Ser1522Ter (NM_001142767.2); c.4621_4624dup, p.Ser1542Ter (NM_001142768.2); and 8 more; short protein forms S1540*, S1559*, S1564*, S1542*, S1539*, S1493*, S1522*, S1562*.
Identifiers: ClinVar variation 179400 (VCV000179400.27), dbSNP rs730880357, ClinGen allele CA184346.